The following is an entry in ClinVar:

NM_001035.3(RYR2):c.6531C>G (p.Asn2177Lys)

Gene: RYR2 (ryanodine receptor 2; plus strand). Cytogenetic location: 1q43.
Variant type: single nucleotide variant.
Coding change: c.6531C>G on transcript NM_001035.3 (MANE Select); coding-DNA position 6531, C replaced by G.
Protein change: p.Asn2177Lys; replaces asparagine 2177 with lysine.
Molecular consequence: missense variant.
Genome position (GRCh38, 1-based): chr1:237,631,517, C>G. VCF-style: chr1-237631517-C-G. GRCh37 (hg19) VCF-style: chr1-237794817-C-G.
Other names: c.6531C>G, p.Asn2177Lys (LRG_402t1); short protein forms N2177K.
Identifiers: ClinVar variation 519477 (VCV000519477.9), dbSNP rs757298566, ClinGen allele CA345413306.

ClinVar aggregate classification (germline): Uncertain significance. Review status: criteria provided, multiple submitters, no conflicts (2 of 4 stars). 2 submissions from 2 submitters: Uncertain significance (2). Last evaluated 2024-12-25.

Conditions:
Cardiovascular phenotype. Identifiers: MedGen CN230736.
Catecholaminergic polymorphic ventricular tachycardia 1. Also called: RYR2-Related Catecholaminergic Polymorphic Ventricular Tachycardia; VENTRICULAR TACHYCARDIA, CATECHOLAMINERGIC POLYMORPHIC, 1, WITH OR WITHOUT ATRIAL DYSFUNCTION AND/OR DILATED CARDIOMYOPATHY; VENTRICULAR TACHYCARDIA, STRESS-INDUCED POLYMORPHIC 1. Identifiers: Orphanet 3286, MedGen C1631597, MONDO:0011484, OMIM 604772.

Submissions (2):

Labcorp Genetics (formerly Invitae), Labcorp
Classification: Uncertain significance for Catecholaminergic polymorphic ventricular tachycardia 1. Last evaluated: 2024-12-25. Review status: criteria provided, single submitter. Criteria: Invitae Variant Classification Sherloc (09022015). Collection method: clinical testing. Allele origin: germline.
Comment: This sequence change replaces asparagine, which is neutral and polar, with lysine, which is basic and polar, at codon 2177 of the RYR2 protein (p.Asn2177Lys). This variant is not present in population databases (gnomAD no frequency). This variant has not been reported in the literature in individuals affected with RYR2-related conditions. ClinVar contains an entry for this variant (Variation ID: 519477). Invitae Evidence Modeling of protein sequence and biophysical properties (such as structural, functional, and spatial information, amino acid conservation, physicochemical variation, residue mobility, and thermodynamic stability) indicates that this missense variant is expected to disrupt RYR2 protein function with a positive predictive value of 95%. In summary, the available evidence is currently insufficient to determine the role of this variant in disease. Therefore, it has been classified as a Variant of Uncertain Significance.

Ambry Genetics
Classification: Uncertain significance for Cardiovascular phenotype. Last evaluated: 2024-10-18. Review status: criteria provided, single submitter. Criteria: Ambry Variant Classification Scheme 2023. Collection method: clinical testing. Allele origin: germline.
Comment: The p.N2177K variant (also known as c.6531C>G), located in coding exon 42 of the RYR2 gene, results from a C to G substitution at nucleotide position 6531. The asparagine at codon 2177 is replaced by lysine, an amino acid with similar properties. This variant has been detected in individuals with sudden cardiac arrest or cardiac dysrhythmia; however, clinical details were limited (external communication; Ambry internal data). This amino acid position is highly conserved in available vertebrate species. In addition, the in silico prediction for this alteration is inconclusive. Since supporting evidence is limited at this time, the clinical significance of this alteration remains unclear.